The following is an entry in ClinVar:

ClinVar aggregate classification (germline): Conflicting classifications of pathogenicity. Review status: criteria provided, conflicting classifications (1 of 4 stars). 2 submissions from 2 submitters: Uncertain significance (1); Benign (1). Last evaluated 2025-06-29.

Conditions:
Periventricular nodular heterotopia 7 (PVNH7). Identifiers: MedGen C4310669, MONDO:0014966, OMIM 617201.

Allele frequency attached by ClinVar (database versions not stated): TOPMed 0.00001; gnomAD 0.00001.
gnomAD v4.1: 2 of 1,611,912 alleles (0.00012%); highest among the groups gnomAD compares: African/African-American, 0.0013%; no homozygotes.

Submissions (2):

Labcorp Genetics (formerly Invitae), Labcorp
Classification: Benign. Last evaluated: 2025-06-29. Review status: criteria provided, single submitter. Criteria: Invitae Variant Classification Sherloc (09022015). Collection method: clinical testing. Allele origin: germline.

Clinical Genomics Laboratory, Washington University in St. Louis
Classification: Uncertain significance for Periventricular nodular heterotopia 7. Last evaluated: 2023-08-15. Review status: criteria provided, single submitter. Criteria: ACMG Guidelines, 2015. Collection method: clinical testing. Allele origin: germline.
Comment: The NEDD4L c.1258-6A>G variant, to our knowledge, has not been reported in the medical literature and is only observed on 1/31,384 alleles in the general population (gnomAD v.2.1.1), indicating it is not a common variant. Computational predictors indicate that this variant would alter splicing, evidence that correlates to an impact of this variant on NEDD4L function. All known pathogenic variants are missense dominant negative variants, but the gene is constrained for loss of function variation (gnomad browser), so the impact of a loss of function NEDD4L variant is uncertain. Due to limited information, and based on ACMG/AMP guidelines for variant interpretation (Richards S et al., PMID: 25741868), the clinical significance of this variant is uncertain at this time.

NM_001144967.3(NEDD4L):c.1258-6A>G

Gene: NEDD4L (NEDD4 like E3 ubiquitin protein ligase; plus strand). Cytogenetic location: 18q21.31.
Variant type: single nucleotide variant.
Coding change: c.1258-6A>G on transcript NM_001144967.3 (MANE Select); 6 bases into the intron before coding-DNA position 1258, A replaced by G.
Molecular consequence: intron variant.
Genome position (GRCh38, 1-based): chr18:58,341,672, A>G. VCF-style: chr18-58341672-A-G. GRCh37 (hg19) VCF-style: chr18-56008904-A-G.
Other names: c.1198-6A>G (NM_015277.6); c.1066-6A>G (NM_001243960.2); c.895-6A>G (NM_001144964.1, NM_001144965.2, NM_001144966.3); c.835-6A>G (NM_001144971.2, NM_001144970.3); c.1234-6A>G (NM_001144968.2); c.1174-6A>G (NM_001144969.2).
Identifiers: ClinVar variation 2672208 (VCV002672208.4), dbSNP rs748774036, ClinGen allele CA630049779.
Genomic context (GRCh38, chr18:58,341,672, plus strand): 5'-GCGCTCCTAATCACACACACCGGGAGATCCTCCTATGAAGCTAACTTGTTTTTGCCTCCA[A>G]AATAGCTTGCAGAAGATGGTGCGTCCGGATCAGCCACAAACAGTAACAACCATCTAATCG-3'